The following is an entry in ClinVar:

ClinVar aggregate classification (germline): Uncertain significance. Review status: criteria provided, multiple submitters, no conflicts (2 of 4 stars). 2 submissions from 2 submitters: Uncertain significance (2). Last evaluated 2026-08-01.

gnomAD v4.1: 19 of 1,613,300 alleles (0.0012%); highest among the groups gnomAD compares: South Asian, 0.0088%; no homozygotes.

Submissions (2):

CeGaT Center for Human Genetics Tuebingen
Classification: Uncertain significance. Last evaluated: 2026-08-01. Review status: criteria provided, single submitter. Criteria: CeGaT Center For Human Genetics Tuebingen Variant Classification Criteria Version 2. Collection method: clinical testing. Allele origin: germline. Affected: yes. Observed: 1 variant allele.
Comment: TTN: PM2

Revvity Omics, Revvity
Classification: Uncertain significance. Last evaluated: 2020-03-18. Review status: criteria provided, single submitter. Criteria: ACMG Guidelines, 2015. Collection method: clinical testing. Allele origin: germline.

NM_001267550.2(TTN):c.42215G>A (p.Arg14072Gln)

Gene: TTN (titin; minus strand). Cytogenetic location: 2q31.2.
Variant type: single nucleotide variant.
Coding change: c.42215G>A on transcript NM_001267550.2 (MANE Select); coding-DNA position 42215, G replaced by A.
Protein change: p.Arg14072Gln; replaces arginine 14072 with glutamine.
Molecular consequence: missense variant.
Genome position (GRCh38, 1-based): chr2:178,634,566, C>T on the plus strand (G>A on the coding strand, the complement: TTN is on the minus strand). VCF-style: chr2-178634566-C-T. GRCh37 (hg19) VCF-style: chr2-179499293-C-T.
Other names: c.37292G>A, p.Arg12431Gln (NM_001256850.1); c.15020G>A, p.Arg5007Gln (NM_003319.4); c.34511G>A, p.Arg11504Gln (NM_133378.4); c.15395G>A, p.Arg5132Gln (NM_133432.3); c.15596G>A, p.Arg5199Gln (NM_133437.4); short protein forms R11504Q, R12431Q, R14072Q, R5007Q, R5132Q, R5199Q.
Identifiers: ClinVar variation 2437596 (VCV002437596.4), dbSNP rs747161377, ClinGen allele CA1996120.